The following is an entry in ClinVar:

ClinVar aggregate classification (germline): Pathogenic (1 of 4 stars; one submission).

Submission:

Labcorp Genetics (formerly Invitae), Labcorp
Classification: Pathogenic. Last evaluated: 2024-11-03. Review status: criteria provided, single submitter. Criteria: Invitae Variant Classification Sherloc (09022015). Collection method: clinical testing. Allele origin: germline.
Comment: This sequence change creates a premature translational stop signal (p.Asp799Thrfs*35) in the CAMTA1 gene. It is expected to result in an absent or disrupted protein product. Loss-of-function variants in CAMTA1 are known to be pathogenic (PMID: 22693284). This variant is not present in population databases (gnomAD no frequency). This variant has not been reported in the literature in individuals affected with CAMTA1-related conditions. For these reasons, this variant has been classified as Pathogenic.

Literature cited by the submitters: PubMed 22693284.

NM_015215.4(CAMTA1):c.2395del (p.Asp799fs)

Gene: CAMTA1 (calmodulin binding transcription activator 1; plus strand). Cytogenetic location: 1p36.23.
Variant type: Deletion.
Coding change: c.2395del on transcript NM_015215.4 (MANE Select); coding-DNA position 2395, one base deleted (G; older notation c.2395delG).
Protein change: p.Asp799fs; shifts the reading frame from aspartic acid 799.
Molecular consequence: frameshift variant.
Genome position (GRCh38, 1-based): chr1:7,664,942, G deleted; the last of 5 consecutive G bases (chr1:7,664,938-7,664,942); deleting any one gives the same sequence. VCF-style (leftmost placement, unchanged base first): chr1-7664937-CG-C. GRCh37 (hg19) VCF-style: chr1-7724997-CG-C.
Other names: c.2305del, p.Asp769fs (NM_001349608.2, NM_001349612.2); c.2395del, p.Asp799fs (NM_001349609.2, NM_001349610.2, NM_001410737.1); c.2323del, p.Asp775fs (NM_001410738.1); short protein forms D769fs, D799fs, D775fs.
Identifiers: ClinVar variation 3724514 (VCV003724514.2).
Genomic context (GRCh38, chr1:7,664,937, plus strand): 5'-TCAACGACTTCATCTCCGTGGAGGGGGGCAGCAGCACCATCTATGGGCACCAGCTGGTGT[CG>C]GGGGACAGCACGGCGCTCTCACAGTCAGAGGACGGGGCGCGGGCCCCCTTCACCCAGGCA-3'